The following is an entry in ClinVar:

NM_017875.4(SLC25A38):c.415G>C (p.Val139Leu)

Gene: SLC25A38 (solute carrier family 25 member 38; plus strand). Cytogenetic location: 3p22.1.
Variant type: single nucleotide variant.
Coding change: c.415G>C on transcript NM_017875.4 (MANE Select); coding-DNA position 415, G replaced by C.
Protein change: p.Val139Leu; replaces valine 139 with leucine.
Molecular consequence: missense variant.
Genome position (GRCh38, 1-based): chr3:39,391,579, G>C. VCF-style: chr3-39391579-G-C. GRCh37 (hg19) VCF-style: chr3-39433070-G-C.
Other names: c.415G>C, p.Val139Leu (NM_001354798.2); short protein forms V139L.
Identifiers: ClinVar variation 4689792 (VCV004689792.1).

ClinVar aggregate classification (germline): Uncertain significance (1 of 4 stars; one submission).

Submission:

GeneDx
Classification: Uncertain significance. Last evaluated: 2025-07-30. Review status: criteria provided, single submitter. Criteria: GeneDx Variant Classification Process June 2021. Collection method: clinical testing. Allele origin: germline. Affected: yes.
Comment: Not observed at significant frequency in large population cohorts (gnomAD); In silico analysis suggests that this missense variant does not alter protein structure/function; Has not been previously published as pathogenic or benign to our knowledge